The following is an entry in ClinVar:

ClinVar aggregate classification (germline): Uncertain significance (1 of 4 stars; one submission).

Conditions:
Glycogen storage disease IXb (GSD9B). Also called: GLYCOGENOSIS OF LIVER AND MUSCLE, AUTOSOMAL RECESSIVE; GSD IXb; PHOSPHORYLASE KINASE DEFICIENCY OF LIVER AND MUSCLE, AUTOSOMAL RECESSIVE. Identifiers: Orphanet 79240, MedGen C0543514, MONDO:0009868, OMIM 261750.

gnomAD v4.1: 15 of 1,585,182 alleles (0.00095%); highest among the groups gnomAD compares: Non-Finnish European, 0.0013%; no homozygotes.

Submission:

Labcorp Genetics (formerly Invitae), Labcorp
Classification: Uncertain significance for Glycogen storage disease IXb. Last evaluated: 2025-03-26. Review status: criteria provided, single submitter. Criteria: Invitae Variant Classification Sherloc (09022015). Collection method: clinical testing. Allele origin: germline.
Comment: This sequence change replaces leucine, which is neutral and non-polar, with valine, which is neutral and non-polar, at codon 234 of the PHKB protein (p.Leu234Val). This variant is not present in population databases (gnomAD no frequency). This variant has not been reported in the literature in individuals affected with PHKB-related conditions. An algorithm developed to predict the effect of missense changes on protein structure and function (PolyPhen-2) suggests that this variant is likely to be disruptive. Algorithms developed to predict the effect of sequence changes on RNA splicing suggest that this variant may create or strengthen a splice site. In summary, the available evidence is currently insufficient to determine the role of this variant in disease. Therefore, it has been classified as a Variant of Uncertain Significance.

NM_000293.3(PHKB):c.700C>G (p.Leu234Val)

Gene: PHKB (phosphorylase kinase regulatory subunit beta; plus strand). Cytogenetic location: 16q12.1.
Variant type: single nucleotide variant.
Coding change: c.700C>G on transcript NM_000293.3 (MANE Select); coding-DNA position 700, C replaced by G.
Protein change: p.Leu234Val; replaces leucine 234 with valine.
Molecular consequence: missense variant.
Genome position (GRCh38, 1-based): chr16:47,547,538, C>G. VCF-style: chr16-47547538-C-G. GRCh37 (hg19) VCF-style: chr16-47581449-C-G.
Other names: c.679C>G, p.Leu227Val (NM_001031835.3); c.700C>G, p.Leu234Val (NM_001363837.1); short protein forms L234V, L227V.
Identifiers: ClinVar variation 4701847 (VCV004701847.1).